The following is an entry in ClinVar:

NM_181458.4(PAX3):c.86-1G>C

Gene: PAX3 (paired box 3; minus strand). Cytogenetic location: 2q36.1.
Variant type: single nucleotide variant.
Coding change: c.86-1G>C on transcript NM_181458.4 (MANE Select); the canonical splice acceptor site of the intron before coding-DNA position 86, G replaced by C.
Molecular consequence: splice acceptor variant.
Genome position (GRCh38, 1-based): chr2:222,297,214, C>G on the plus strand (G>C on the coding strand, the complement: PAX3 is on the minus strand). VCF-style: chr2-222297214-C-G. GRCh37 (hg19) VCF-style: chr2-223161933-C-G.
Other names: c.86-1G>C (NM_001127366.3, NM_181460.4, NM_181461.4 and 4 more transcripts).
Identifiers: ClinVar variation 3601597 (VCV003601597.1).

ClinVar aggregate classification (germline): Likely pathogenic (1 of 4 stars; one submission).

Conditions:
Waardenburg syndrome type 1 (WS1). Also called: WAARDENBURG SYNDROME WITH DYSTOPIA CANTHORUM; Waardenburg Syndrome Type I. Identifiers: Orphanet 894, MedGen C1847800, MONDO:0008670, OMIM 193500.

Submission:

Institute of Rare Diseases, West China Hospital, Sichuan University
Classification: Likely pathogenic for Waardenburg syndrome type 1. Last evaluated: 2025-01-09. Review status: criteria provided, single submitter. Criteria: ClinGen HL ACMG Specifications v1. Collection method: research. Allele origin: germline. Affected: yes.
Comment: PVS1;PM2_Supporting